The following is an entry in ClinVar:

ClinVar aggregate classification (germline): Uncertain significance. Review status: criteria provided, multiple submitters, no conflicts (2 of 4 stars). 3 submissions from 3 submitters: Uncertain significance (3). Last evaluated 2025-08-29.

Allele frequency attached by ClinVar (database versions not stated): gnomAD 0.00001; gnomAD exomes 0.00001; TOPMed 0.00001; ExAC 0.00002; ESP Exome Variant Server 0.00008.
gnomAD v4.1: 19 of 1,613,282 alleles (0.0012%); highest among the groups gnomAD compares: Non-Finnish European, 0.0014%; no homozygotes.

Submissions (3):

Ambry Genetics
Classification: Uncertain significance. Last evaluated: 2025-08-29. Review status: criteria provided, single submitter. Criteria: Ambry Variant Classification Scheme 2023. Collection method: clinical testing. Allele origin: germline.

Women's Health and Genetics/Laboratory Corporation of America, LabCorp
Classification: Uncertain significance. Last evaluated: 2023-06-19. Review status: criteria provided, single submitter. Criteria: LabCorp Variant Classification Summary - May 2015. Collection method: clinical testing. Allele origin: germline.
Comment: Variant summary: CACNA1B c.6745G>A (p.Ala2249Thr) results in a non-conservative amino acid change in the encoded protein sequence. Four of five in-silico tools predict a benign effect of the variant on protein function. The variant allele was found at a frequency of 1.2e-05 in 248444 control chromosomes (gnomAD). The available data on variant occurrences in the general population are insufficient to allow any conclusion about variant significance. To our knowledge, no occurrence of c.6745G>A in individuals affected with Neurodevelopmental Disorder With Seizures And Nonepileptic Hyperkinetic Movements and no experimental evidence demonstrating its impact on protein function have been reported. The variant results in a nonsense (c.6558G>A, p.Trp2186X) in the last exon (expected to escape nonsense-mediated decay) of an alternate transcript (NM_001243812.1). This alternate transcript was determined to have considerably low expression (brain tissues and the testis, GTEx Portal), making its biological/clinical significance uncertain. To our knowledge, no downstream pathogenic variants have been reported in patients or cited in databases within this alternate transcript. One submitter has cited clinical-significance assessments for this variant to ClinVar after 2014 and has classified the variant as uncertain significance. Based on the evidence outlined above, the variant was classified as uncertain significance.

Labcorp Genetics (formerly Invitae), Labcorp
Classification: Uncertain significance. Last evaluated: 2022-07-09. Review status: criteria provided, single submitter. Criteria: Invitae Variant Classification Sherloc (09022015). Collection method: clinical testing. Allele origin: germline.
Comment: This sequence change replaces alanine, which is neutral and non-polar, with threonine, which is neutral and polar, at codon 2249 of the CACNA1B protein (p.Ala2249Thr). This variant is present in population databases (rs376045272, gnomAD 0.003%). This variant has not been reported in the literature in individuals affected with CACNA1B-related conditions. Advanced modeling of protein sequence and biophysical properties (such as structural, functional, and spatial information, amino acid conservation, physicochemical variation, residue mobility, and thermodynamic stability) performed at Invitae indicates that this missense variant is not expected to disrupt CACNA1B protein function. In summary, the available evidence is currently insufficient to determine the role of this variant in disease. Therefore, it has been classified as a Variant of Uncertain Significance.

NM_000718.4(CACNA1B):c.6745G>A (p.Ala2249Thr)

Gene: CACNA1B (calcium voltage-gated channel subunit alpha1 B; plus strand). Cytogenetic location: 9q34.3.
Variant type: single nucleotide variant.
Coding change: c.6745G>A on transcript NM_000718.4 (MANE Select); coding-DNA position 6745, G replaced by A.
Protein change: p.Ala2249Thr; replaces alanine 2249 with threonine.
Molecular consequence: missense variant. On other transcripts: nonsense (1).
Genome position (GRCh38, 1-based): chr9:138,121,724, G>A. VCF-style: chr9-138121724-G-A. GRCh37 (hg19) VCF-style: chr9-141016176-G-A.
Other names: c.6745G>A (NM_000718.3); c.6558G>A, p.Trp2186Ter (NM_001243812.2); short protein forms W2186*, A2249T.
Identifiers: ClinVar variation 1984854 (VCV001984854.3), dbSNP rs376045272, ClinGen allele CA5377796.